The following is an entry in ClinVar:

ClinVar aggregate classification (germline): Benign/Likely benign. Review status: criteria provided, multiple submitters, no conflicts (2 of 4 stars). 5 submissions from 5 submitters: Benign (2); Likely benign (3). Last evaluated 2025-12-09.

Conditions:
Inborn genetic diseases. Identifiers: MedGen C0950123, MeSH D030342.
Cornelia de Lange syndrome 5 (CDLS5). Also called: HDAC8-Related Cornelia de Lange Syndrome. Identifiers: Orphanet 199, MedGen C3550903, MONDO:0010471, OMIM 300882.
HDAC8-related disorder. Also called: HDAC8-related condition.

Allele frequency attached by ClinVar (database versions not stated): gnomAD exomes 0.00042 and 0.00014; ExAC 0.00060; gnomAD 0.00116 and 0.00120; TOPMed 0.00135; ESP Exome Variant Server 0.00151; 1000 Genomes Project 0.00265; 1000 Genomes Project 30x 0.00291.
gnomAD v4.1: 285 of 1,185,040 alleles (0.024%); highest among the groups gnomAD compares: African/African-American, 0.42%; no homozygotes.

Submissions (5):

Labcorp Genetics (formerly Invitae), Labcorp
Classification: Benign for Cornelia de Lange syndrome 5. Last evaluated: 2025-12-09. Review status: criteria provided, single submitter. Criteria: Invitae Variant Classification Sherloc (09022015). Collection method: clinical testing. Allele origin: germline.

PreventionGenetics, part of Exact Sciences
Classification: Benign for HDAC8-related condition. Last evaluated: 2025-09-14. Review status: criteria provided, single submitter. Criteria: ACMG Guidelines, 2015. Collection method: clinical testing. Allele origin: germline.
Comment: This variant is classified as benign based on ACMG/AMP sequence variant interpretation guidelines (Richards et al. 2015 PMID: 25741868, with internal and published modifications).

Blueprint Genetics
Classification: Likely benign. Last evaluated: 2024-11-01. Review status: criteria provided, single submitter. Criteria: ACMG Guidelines, 2015. Collection method: clinical testing. Allele origin: germline.

GeneDx
Classification: Likely benign. Last evaluated: 2021-03-22. Review status: criteria provided, single submitter. Criteria: GeneDx Variant Classification Process June 2021. Collection method: clinical testing. Allele origin: germline. Affected: yes.

Ambry Genetics
Classification: Likely benign for Inborn genetic diseases. Last evaluated: 2020-03-09. Review status: criteria provided, single submitter. Criteria: Ambry Variant Classification Scheme 2023. Collection method: clinical testing. Allele origin: germline.

NM_018486.3(HDAC8):c.57C>T (p.Ile19=)

Gene: HDAC8 (histone deacetylase 8; minus strand). Cytogenetic location: Xq13.1.
Variant type: single nucleotide variant.
Coding change: c.57C>T on transcript NM_018486.3 (MANE Select); coding-DNA position 57, C replaced by T.
Protein change: p.Ile19=; no amino-acid change (isoleucine 19 retained).
Molecular consequence: synonymous variant. On other transcripts: non-coding transcript variant (1).
Genome position (GRCh38, 1-based): chrX:72,572,705, G>A on the plus strand (C>T on the coding strand, the complement: HDAC8 is on the minus strand). VCF-style: chrX-72572705-G-A. GRCh37 (hg19) VCF-style: chrX-71792555-G-A.
Other names: c.57C>T, p.Ile19= (NM_001166418.2, NM_001166419.2, NM_001166420.2 and 2 more transcripts).
Identifiers: ClinVar variation 1301021 (VCV001301021.13), dbSNP rs145362166, ClinGen allele CA10450371.